The following is an entry in ClinVar:

ClinVar aggregate classification (germline): Uncertain significance (1 of 4 stars; one submission).

Conditions:
Charcot-Marie-Tooth disease axonal type 2C (HMSN2C). Also called: CHARCOT-MARIE-TOOTH DISEASE, AXONAL, AUTOSOMAL DOMINANT, TYPE 2C; Charcot-Marie-Tooth Neuropathy Type 2C; Charcot-Marie-Tooth Disease Type 2, TRPV4-Related (CMT2C). Identifiers: Orphanet 99937, MedGen C1853710, MONDO:0011633, OMIM 606071.

gnomAD v4.1: 11 of 1,613,978 alleles (0.00068%); highest among the groups gnomAD compares: African/African-American, 0.0013%; no homozygotes.

Submission:

Labcorp Genetics (formerly Invitae), Labcorp
Classification: Uncertain significance for Charcot-Marie-Tooth disease axonal type 2C. Last evaluated: 2023-06-25. Review status: criteria provided, single submitter. Criteria: Invitae Variant Classification Sherloc (09022015). Collection method: clinical testing. Allele origin: germline.
Comment: In summary, the available evidence is currently insufficient to determine the role of this variant in disease. Therefore, it has been classified as a Variant of Uncertain Significance. Advanced modeling of protein sequence and biophysical properties (such as structural, functional, and spatial information, amino acid conservation, physicochemical variation, residue mobility, and thermodynamic stability) has been performed at Invitae for this missense variant, however the output from this modeling did not meet the statistical confidence thresholds required to predict the impact of this variant on TRPV4 protein function. This variant has not been reported in the literature in individuals affected with TRPV4-related conditions. This variant is not present in population databases (gnomAD no frequency). This sequence change replaces arginine, which is basic and polar, with histidine, which is basic and polar, at codon 76 of the TRPV4 protein (p.Arg76His).

NM_021625.5(TRPV4):c.227G>A (p.Arg76His)

Gene: TRPV4 (transient receptor potential cation channel subfamily V member 4; minus strand). Cytogenetic location: 12q24.11.
Variant type: single nucleotide variant.
Coding change: c.227G>A on transcript NM_021625.5 (MANE Select); coding-DNA position 227, G replaced by A.
Protein change: p.Arg76His; replaces arginine 76 with histidine.
Molecular consequence: missense variant.
Genome position (GRCh38, 1-based): chr12:109,814,570, C>T on the plus strand (G>A on the coding strand, the complement: TRPV4 is on the minus strand). VCF-style: chr12-109814570-C-T. GRCh37 (hg19) VCF-style: chr12-110252375-C-T.
Other names: c.227G>A, p.Arg76His (NM_001177428.2, NM_001177433.2, NM_147204.3); c.125G>A, p.Arg42His (NM_001177431.2); short protein forms R76H, R42H.
Identifiers: ClinVar variation 2914152 (VCV002914152.3), dbSNP rs1435404361, ClinGen allele CA386660555.
Genomic context (GRCh38, chr12:109,814,570, plus strand): 5'-ACCACCGAGGACTCATATAGGGTGGACTCCAGCAGATCGATGGGGTTGGGCACCCCCTTG[C>T]GGAAGGCGCCCTGGAACTTCATGCGCAGATTTGGTCGCCCATCGCCTGGGCCAGCAGGGC-3'
Protein context (NP_067638.3, residues 66-86): NLRMKFQGAF[Arg76His]KGVPNPIDLL